The following is an entry in ClinVar:

ClinVar aggregate classification (germline): Likely benign. Review status: criteria provided, multiple submitters, no conflicts (2 of 4 stars). 5 submissions from 5 submitters: Likely benign (5). Last evaluated 2026-04-15.

Conditions:
IGHMBP2-related disorder. Also called: IGHMBP2-related condition; IGHMBP2-related disorders.
Charcot-Marie-Tooth disease axonal type 2S. Also called: CHARCOT-MARIE-TOOTH DISEASE, AXONAL, AUTOSOMAL RECESSIVE, TYPE 2S; CHARCOT-MARIE-TOOTH NEUROPATHY, TYPE 2S. Identifiers: Orphanet 443073, MedGen C4015349, MONDO:0014511, OMIM 616155.
Autosomal recessive distal spinal muscular atrophy 1. Also called: HMN VI; SPINAL MUSCULAR ATROPHY, DIAPHRAGMATIC; Spinal muscular atrophy with respiratory distress 1; NEURONOPATHY, SEVERE INFANTILE AXONAL, WITH RESPIRATORY FAILURE; SEVERE INFANTILE AXONAL NEUROPATHY WITH RESPIRATORY FAILURE; NEURONOPATHY, DISTAL HEREDITARY MOTOR, HARDING TYPE VI. Identifiers: Orphanet 98920, MedGen C1858517, MONDO:0011436, OMIM 604320.
Inborn genetic diseases. Identifiers: MedGen C0950123, MeSH D030342.
Charcot-Marie-Tooth disease. Also called: Charcot-Marie-Tooth Neuropathy; Charcot-Marie-Tooth Hereditary Neuropathy. Identifiers: Orphanet 166, MedGen C0007959, MONDO:0015626.

Allele frequency attached by ClinVar (database versions not stated): TOPMed below 0.00001; gnomAD 0.00001; gnomAD exomes 0.00001; ExAC 0.00002; ESP Exome Variant Server 0.00008.
gnomAD v4.1: 10 of 1,608,288 alleles (0.00062%); highest among the groups gnomAD compares: African/African-American, 0.0013%; no homozygotes.

Submissions (5):

PreventionGenetics, part of Exact Sciences
Classification: Likely benign for IGHMBP2-related condition. Last evaluated: 2026-04-15. Review status: criteria provided, single submitter. Criteria: ACMG Guidelines, 2015. Collection method: clinical testing. Allele origin: germline.
Comment: This variant is classified as likely benign based on ACMG/AMP sequence variant interpretation guidelines (Richards et al. 2015 PMID: 25741868, with internal and published modifications).

Labcorp Genetics (formerly Invitae), Labcorp
Classification: Likely benign for Autosomal recessive distal spinal muscular atrophy 1; Charcot-Marie-Tooth disease axonal type 2S. Last evaluated: 2025-12-14. Review status: criteria provided, single submitter. Criteria: Invitae Variant Classification Sherloc (09022015). Collection method: clinical testing. Allele origin: germline.

Ambry Genetics
Classification: Likely benign for Inborn genetic diseases. Last evaluated: 2019-07-11. Review status: criteria provided, single submitter. Criteria: Ambry Variant Classification Scheme 2023. Collection method: clinical testing. Allele origin: germline.

GeneDx
Classification: Likely benign. Last evaluated: 2017-03-17. Review status: criteria provided, single submitter. Criteria: GeneDx Variant Classification (06012015). Collection method: clinical testing. Allele origin: germline. Affected: yes.
Comment: This variant is considered likely benign or benign based on one or more of the following criteria: it is a conservative change, it occurs at a poorly conserved position in the protein, it is predicted to be benign by multiple in silico algorithms, and/or has population frequency not consistent with disease.

Molecular Genetics Laboratory, London Health Sciences Centre
Classification: Likely benign for Charcot-Marie-Tooth disease. Review status: criteria provided, single submitter. Criteria: ACMG Guidelines, 2015. Collection method: clinical testing. Allele origin: germline. Affected: yes.

NM_002180.3(IGHMBP2):c.2499G>A (p.Leu833=)

Gene: IGHMBP2 (immunoglobulin mu DNA binding protein 2; plus strand). Cytogenetic location: 11q13.3.
Variant type: single nucleotide variant.
Coding change: c.2499G>A on transcript NM_002180.3 (MANE Select); coding-DNA position 2499, G replaced by A.
Protein change: p.Leu833=; no amino-acid change (leucine 833 retained).
Molecular consequence: synonymous variant.
Genome position (GRCh38, 1-based): chr11:68,936,979, G>A. VCF-style: chr11-68936979-G-A. GRCh37 (hg19) VCF-style: chr11-68704447-G-A.
Identifiers: ClinVar variation 507857 (VCV000507857.15), dbSNP rs371840404, ClinGen allele CA6153924.